The following is an entry in ClinVar:

ClinVar aggregate classification (germline): Conflicting classifications of pathogenicity. Review status: criteria provided, conflicting classifications (1 of 4 stars). 13 submissions from 13 submitters: Uncertain significance (4); Benign (1); Likely benign (7). 1 of the submissions does not count toward it. Last evaluated 2026-07-01.

Conditions:
Cardiovascular phenotype. Identifiers: MedGen CN230736.
Glycogen storage disease, type II (IOPD). Also called: CARDIOMEGALIA GLYCOGENICA DIFFUSA; GLYCOGENOSIS, GENERALIZED, CARDIAC FORM; GSD II; Pompe Disease; POMPE DISEASE, INFANTILE-ONSET; GLYCOGEN STORAGE DISEASE II, INFANTILE-ONSET. Identifiers: Orphanet 365, MedGen C0017921, MONDO:0009290, OMIM 232300.

Allele frequency attached by ClinVar (database versions not stated): gnomAD 0.00002 and 0.00008; TOPMed 0.00003; gnomAD exomes 0.00013 and 0.00015; ExAC 0.00021; 1000 Genomes Project 30x 0.00078; 1000 Genomes Project 0.00100.
gnomAD v4.1: 229 of 1,613,064 alleles (0.014%); highest among the groups gnomAD compares: East Asian, 0.47%; no homozygotes.

Submissions (13):

Genomenon, Inc
Classification: Likely benign for Glycogen storage disease, type II. Last evaluated: 2026-07-01. Review status: criteria provided, single submitter. Criteria: Genomenon Sequence Variant Interpretation Standards - Updated. Collection method: curation. Allele origin: germline. Affected: no.
Comment: GAA c.705G>A is a synonymous variant that retains Threonine at codon 235. This variant has been reported in the published literature (PMID:33202836;31076647;34922579;33560568). This variant is not predicted to impact splicing. In conclusion, we classify GAA c.705G>A (p.Thr235=) as a likely benign variant.

CeGaT Center for Human Genetics Tuebingen
Classification: Likely benign. Last evaluated: 2026-05-01. Review status: criteria provided, single submitter. Criteria: CeGaT Center For Human Genetics Tuebingen Variant Classification Criteria Version 2. Collection method: clinical testing. Allele origin: germline. Affected: yes. Observed: 1 variant allele.
Comment: GAA: BP4, BP7

Labcorp Genetics (formerly Invitae), Labcorp
Classification: Benign for Glycogen storage disease, type II. Last evaluated: 2026-01-27. Review status: criteria provided, single submitter. Criteria: Invitae Variant Classification Sherloc (09022015). Collection method: clinical testing. Allele origin: germline.

Blueprint Genetics
Classification: Likely benign. Last evaluated: 2024-11-22. Review status: criteria provided, single submitter. Criteria: ACMG Guidelines, 2015. Collection method: clinical testing. Allele origin: germline.

3billion
Classification: Uncertain significance for Glycogen storage disease, type II. Last evaluated: 2024-09-30. Review status: criteria provided, single submitter. Criteria: ACMG Guidelines, 2015. Collection method: clinical testing. Allele origin: germline. Affected: yes.
Comment: The variant is observed at an extremely low frequency in the gnomAD v4.1.0 dataset (total allele frequency: 0.014%). Predicted Consequence/Location: Synonymous variant In silico tools do not predict the variant to alter splicing and produce an abnormal transcript [SpliceAI: 0.06 (<=0.1, moderate evidence for non-spliceogenicity)]. The variant has been reported as benign without evidence for the classification (ClinVar ID: VCV000282633). Therefore, this variant is classified as VUS according to the recommendation of ACMG/AMP guideline.

Revvity Omics, Revvity
Classification: Uncertain significance. Last evaluated: 2023-11-13. Review status: criteria provided, single submitter. Criteria: ACMG Guidelines, 2015. Collection method: clinical testing. Allele origin: germline.

Ambry Genetics
Classification: Likely benign for Cardiovascular phenotype. Last evaluated: 2023-07-18. Review status: criteria provided, single submitter. Criteria: Ambry Variant Classification Scheme 2023. Collection method: clinical testing. Allele origin: germline.

Women's Health and Genetics/Laboratory Corporation of America, LabCorp
Classification: Likely benign. Last evaluated: 2022-12-24. Review status: criteria provided, single submitter. Criteria: LabCorp Variant Classification Summary - May 2015. Collection method: clinical testing. Allele origin: germline.

Genome-Nilou Lab
Classification: Likely benign for Glycogen storage disease, type II. Last evaluated: 2021-07-22. Review status: criteria provided, single submitter. Criteria: ACMG Guidelines, 2015. Collection method: clinical testing. Allele origin: germline. Affected: no.

GeneDx
Classification: Likely benign. Last evaluated: 2018-12-14. Review status: criteria provided, single submitter. Criteria: GeneDx Variant Classification Process June 2021. Collection method: clinical testing. Allele origin: germline. Affected: yes.
Comment: This variant is associated with the following publications: (PMID: 31076647)

Illumina Laboratory Services, Illumina
Classification: Uncertain significance for Glycogen storage disease, type II. Last evaluated: 2018-01-12. Review status: criteria provided, single submitter. Criteria: ICSL Variant Classification Criteria 13 December 2019. Collection method: clinical testing. Allele origin: germline.

Eurofins Ntd Llc (ga)
Classification: Uncertain significance. Last evaluated: 2015-08-20. Review status: criteria provided, single submitter. Criteria: EGL Classification Definitions 2015. Collection method: clinical testing. Allele origin: germline. Observed: 1 variant allele, 1 heterozygote.

Natera, Inc.
Classification: Likely benign for Glycogen storage disease type II. Last evaluated: 2020-02-27. Review status: no assertion criteria provided. Collection method: clinical testing. Allele origin: germline. Not counted in ClinVar's aggregate classification.

Literature cited by the submitters: PubMed 33202836 (cited by Genomenon, Inc); PubMed 31076647 (cited by Genomenon, Inc); PubMed 34922579 (cited by Genomenon, Inc); PubMed 33560568 (cited by Genomenon, Inc).

NM_000152.5(GAA):c.705G>A (p.Thr235=)

Gene: GAA (alpha glucosidase; plus strand). Cytogenetic location: 17q25.3.
Variant type: single nucleotide variant.
Coding change: c.705G>A on transcript NM_000152.5 (MANE Select); coding-DNA position 705, G replaced by A.
Protein change: p.Thr235=; no amino-acid change (threonine 235 retained).
Molecular consequence: synonymous variant.
Genome position (GRCh38, 1-based): chr17:80,107,569, G>A. VCF-style: chr17-80107569-G-A. GRCh37 (hg19) VCF-style: chr17-78081368-G-A.
Other names: c.705G>A (LRG_673t1, NM_000152.4); c.705G>A, p.Thr235= (NM_001079803.3, NM_001079804.3).
Identifiers: ClinVar variation 282633 (VCV000282633.37), dbSNP rs2304846, ClinGen allele CA8814998.